The following is an entry in ClinVar:

NM_000059.4(BRCA2):c.2659G>A (p.Glu887Lys)

Gene: BRCA2 (BRCA2 DNA repair associated; plus strand). Cytogenetic location: 13q13.1.
Variant type: single nucleotide variant.
Coding change: c.2659G>A on transcript NM_000059.4 (MANE Select); coding-DNA position 2659, G replaced by A.
Protein change: p.Glu887Lys; replaces glutamic acid 887 with lysine.
Molecular consequence: missense variant.
Genome position (GRCh38, 1-based): chr13:32,337,014, G>A. VCF-style: chr13-32337014-G-A. GRCh37 (hg19) VCF-style: chr13-32911151-G-A.
Other names: short protein forms E887K.
Identifiers: ClinVar variation 230105 (VCV000230105.16), dbSNP rs876658391, ClinGen allele CA10579546.

ClinVar aggregate classification (germline): Conflicting classifications of pathogenicity. Review status: criteria provided, conflicting classifications (1 of 4 stars). 4 submissions from 4 submitters: Uncertain significance (3); Likely benign (1). Last evaluated 2023-05-09.

Conditions:
Hereditary cancer-predisposing syndrome. Also called: Hereditary neoplastic syndrome; Hereditary Cancer Syndrome; Neoplastic Syndromes, Hereditary; Tumor predisposition. Identifiers: Orphanet 140162, MedGen C0027672, MeSH D009386, MONDO:0015356.
Hereditary breast ovarian cancer syndrome. Also called: Hereditary breast and ovarian cancer syndrome; Hereditary breast and ovarian cancer syndrome (HBOC); Breast and ovarian cancer; Hereditary breast and/or ovarian cancer syndrome; Hereditary breast and ovarian cancer; BRCA1- and BRCA2-Associated Hereditary Breast and Ovarian Cancer. Identifiers: Orphanet 145, MedGen C0677776, MeSH D061325, MONDO:0003582. Disease mechanism: loss of function.

Submissions (4):

Labcorp Genetics (formerly Invitae), Labcorp
Classification: Uncertain significance for Hereditary breast ovarian cancer syndrome. Last evaluated: 2023-05-09. Review status: criteria provided, single submitter. Criteria: Invitae Variant Classification Sherloc (09022015). Collection method: clinical testing. Allele origin: germline.
Comment: In summary, the available evidence is currently insufficient to determine the role of this variant in disease. Therefore, it has been classified as a Variant of Uncertain Significance. Advanced modeling of protein sequence and biophysical properties (such as structural, functional, and spatial information, amino acid conservation, physicochemical variation, residue mobility, and thermodynamic stability) performed at Invitae indicates that this missense variant is not expected to disrupt BRCA2 protein function. ClinVar contains an entry for this variant (Variation ID: 230105). This variant has not been reported in the literature in individuals affected with BRCA2-related conditions. This variant is not present in population databases (gnomAD no frequency). This sequence change replaces glutamic acid, which is acidic and polar, with lysine, which is basic and polar, at codon 887 of the BRCA2 protein (p.Glu887Lys).

University of Washington Department of Laboratory Medicine, University of Washington
Classification: Likely benign for Hereditary cancer-predisposing syndrome. Last evaluated: 2023-03-23. Review status: criteria provided, single submitter. Criteria: Dines et al. (Genet Med. 2020). Collection method: curation. Allele origin: germline.
Comment: Missense variant in a coldspot region where missense variants are very unlikely to be pathogenic (PMID:31911673).

BRCA2 exon 11 coldspot. Reclassification based on statistical prior probability.

Sema4
Classification: Uncertain significance for Hereditary cancer-predisposing syndrome. Last evaluated: 2021-08-22. Review status: criteria provided, single submitter. Criteria: Sema4 Curation Guidelines. Collection method: curation. Allele origin: germline.
Comment: The BRCA2 c.2659G>A (p.E887K) variant has not been reported in the literature to our knowledge. It was not observed in the large and broad cohorts of the Genome Aggregation Database but has been reported in ClinVar (Variation ID 230105). Functional studies have not been performed, and in silico predictions of the variant's effect on protein function are inconclusive. The evidence is insufficient to meet ACMG/AMP criteria for classifying the variant as benign or pathogenic. Thus, the clinical significance of this variant is currently uncertain.

Ambry Genetics
Classification: Uncertain significance for Hereditary cancer-predisposing syndrome. Last evaluated: 2015-01-21. Review status: criteria provided, single submitter. Criteria: Ambry Variant Classification Scheme 2023. Collection method: clinical testing. Allele origin: germline.
Comment: The p.E887K variant (also known as c.2659G>A or 2887G>A), located in coding exon 10 of the BRCA2 gene, results from a G to A substitution at nucleotide position 2659. The glutamic acid at codon 887 is replaced by lysine, an amino acid with similar properties. This variant was not reported in population based cohorts in the following databases: Database of Single Nucleotide Polymorphisms (dbSNP), NHLBI Exome Sequencing Project (ESP), and 1000 Genomes Project. In the ESP, this variant was not observed in 6502 samples (13004 alleles) with coverage at this position. To date, this alteration has been detected with an allele frequency of approximately 0.001% (greater than 105,000 alleles tested) in our clinical cohort. This amino acid position is not well conserved in available vertebrate species, with Lys as the reference aminoacid in several species. In addition, this alteration is predicted to be tolerated by in silico analysis. Since supporting evidence is limited at this time, the clinical significance of p.E887K remains unclear.